The following is an entry in ClinVar:

NM_015330.6(SPECC1L):c.154-1238C>T

Genes: SPECC1L (sperm antigen with calponin homology and coiled-coil domains 1 like; plus strand), SPECC1L-ADORA2A (SPECC1L-ADORA2A readthrough (NMD candidate); plus strand). Cytogenetic location: 22q11.23.
Variant type: single nucleotide variant.
Coding change: c.154-1238C>T on transcript NM_015330.6 (MANE Select); 1238 bases into the intron before coding-DNA position 154, C replaced by T.
Molecular consequence: intron variant.
Genome position (GRCh38, 1-based): chr22:24,312,075, C>T. VCF-style: chr22-24312075-C-T. GRCh37 (hg19) VCF-style: chr22-24708043-C-T.
Other names: c.154-1238C>T (NM_001145468.4, NM_001254732.3).
Identifiers: ClinVar variation 2652990 (VCV002652990.24), dbSNP rs2517628174, ClinGen allele CA2695200080.
Genomic context (GRCh38, chr22:24,312,075, plus strand): 5'-CTGGAGTACGGTGGCGTGATCACAGCTCAGTGCAGCTTTGACCTCCCGGGCTCAAGCGAT[C>T]CTCTCACTTCAACCTTCCCAATAACTAGGACTACAGGCATGTGCCACTTTGCCCAGGTAA-3'

ClinVar aggregate classification (germline): Uncertain significance (1 of 4 stars; one submission).

Submission:

CeGaT Center for Human Genetics Tuebingen
Classification: Uncertain significance. Last evaluated: 2023-04-01. Review status: criteria provided, single submitter. Criteria: CeGaT Center For Human Genetics Tuebingen Variant Classification Criteria Version 2. Collection method: clinical testing. Allele origin: germline. Affected: yes. Observed: 1 variant allele.
Comment: SPECC1L: PM2